The following is an entry in ClinVar:

NM_012330.4(KAT6B):c.2822C>T (p.Thr941Ile)

Gene: KAT6B (lysine acetyltransferase 6B; plus strand). Cytogenetic location: 10q22.2.
Variant type: single nucleotide variant.
Coding change: c.2822C>T on transcript NM_012330.4 (MANE Select); coding-DNA position 2822, C replaced by T.
Protein change: p.Thr941Ile; replaces threonine 941 with isoleucine.
Molecular consequence: missense variant.
Genome position (GRCh38, 1-based): chr10:75,020,774, C>T. VCF-style: chr10-75020774-C-T. GRCh37 (hg19) VCF-style: chr10-76780532-C-T.
Other names: c.2273C>T, p.Thr758Ile (NM_001256468.2, NM_001370138.1); c.1946C>T, p.Thr649Ile (NM_001256469.2, NM_001370139.1, NM_001370140.1 and 2 more transcripts); c.1784C>T, p.Thr595Ile (NM_001370132.1); c.1133C>T, p.Thr378Ile (NM_001370133.1); c.737C>T, p.Thr246Ile (NM_001370134.1); c.479C>T, p.Thr160Ile (NM_001370135.1); c.2822C>T, p.Thr941Ile (NM_001370136.1, NM_001370137.1); c.1757C>T, p.Thr586Ile (NM_001370143.1, NM_001370144.1); short protein forms T586I, T758I, T649I, T160I, T246I, T378I, T595I, T941I.
Identifiers: ClinVar variation 2866732 (VCV002866732.3), dbSNP rs1416204019, ClinGen allele CA377281221.

ClinVar aggregate classification (germline): Uncertain significance (1 of 4 stars; one submission).

Conditions:
Genitopatellar syndrome (GTPTS). Also called: Genitopatellar syndrome (GPS); ABSENT PATELLAE, SCROTAL HYPOPLASIA, RENAL ANOMALIES, FACIAL DYSMORPHISM, AND MENTAL RETARDATION. Identifiers: Orphanet 85201, MedGen C1853566, MONDO:0011640, OMIM 606170.

Allele frequency attached by ClinVar (database versions not stated): gnomAD exomes below 0.00001.
gnomAD v4.1: 1 of 1,614,188 alleles (0.000062%); highest among the groups gnomAD compares: Non-Finnish European, 0.000085%; no homozygotes.

Submission:

Labcorp Genetics (formerly Invitae), Labcorp
Classification: Uncertain significance for Genitopatellar syndrome. Last evaluated: 2023-10-13. Review status: criteria provided, single submitter. Criteria: Invitae Variant Classification Sherloc (09022015). Collection method: clinical testing. Allele origin: germline.
Comment: This sequence change replaces threonine, which is neutral and polar, with isoleucine, which is neutral and non-polar, at codon 941 of the KAT6B protein (p.Thr941Ile). This variant is not present in population databases (gnomAD no frequency). This variant has not been reported in the literature in individuals affected with KAT6B-related conditions. Advanced modeling of protein sequence and biophysical properties (such as structural, functional, and spatial information, amino acid conservation, physicochemical variation, residue mobility, and thermodynamic stability) performed at Invitae indicates that this missense variant is not expected to disrupt KAT6B protein function. In summary, the available evidence is currently insufficient to determine the role of this variant in disease. Therefore, it has been classified as a Variant of Uncertain Significance.